The following is an entry in ClinVar:

NM_000276.4(OCRL):c.109G>C (p.Gly37Arg)

Gene: OCRL (OCRL inositol polyphosphate-5-phosphatase; plus strand). Cytogenetic location: Xq26.1.
Variant type: single nucleotide variant.
Coding change: c.109G>C on transcript NM_000276.4 (MANE Select); coding-DNA position 109, G replaced by C.
Protein change: p.Gly37Arg; replaces glycine 37 with arginine.
Molecular consequence: missense variant.
Genome position (GRCh38, 1-based): chrX:129,540,813, G>C. VCF-style: chrX-129540813-G-C. GRCh37 (hg19) VCF-style: chrX-128674790-G-C.
Other names: c.112G>C, p.Gly38Arg (NM_001318784.2); c.109G>C, p.Gly37Arg (NM_001587.4); short protein forms G38R, G37R.
Identifiers: ClinVar variation 807814 (VCV000807814.44), dbSNP rs767054196, ClinGen allele CA10511931.

ClinVar aggregate classification (germline): Uncertain significance. Review status: criteria provided, multiple submitters, no conflicts (2 of 4 stars). 2 submissions from 2 submitters: Uncertain significance (2). Last evaluated 2024-11-19.

Conditions:
Lowe syndrome (OCRL). Also called: LOWE OCULOCEREBRORENAL SYNDROME; Oculocerebrorenal Syndrome; PHOSPHATIDYLINOSITOL 4,5-BISPHOSPHATE 5-PHOSPHATASE DEFICIENCY. Identifiers: Orphanet 534, MedGen C0028860, MONDO:0010645, OMIM 309000.

Allele frequency attached by ClinVar (database versions not stated): TOPMed 0.00001.
gnomAD v4.1: 19 of 1,204,091 alleles (0.0016%); highest among the groups gnomAD compares: Non-Finnish European, 0.002%; no homozygotes.

Submissions (2):

Labcorp Genetics (formerly Invitae), Labcorp
Classification: Uncertain significance for Lowe syndrome. Last evaluated: 2024-11-19. Review status: criteria provided, single submitter. Criteria: Invitae Variant Classification Sherloc (09022015). Collection method: clinical testing. Allele origin: germline.
Comment: This sequence change replaces glycine, which is neutral and non-polar, with arginine, which is basic and polar, at codon 37 of the OCRL protein (p.Gly37Arg). This variant is present in population databases (rs767054196, gnomAD 0.002%). This variant has not been reported in the literature in individuals affected with OCRL-related conditions. ClinVar contains an entry for this variant (Variation ID: 807814). Invitae Evidence Modeling of protein sequence and biophysical properties (such as structural, functional, and spatial information, amino acid conservation, physicochemical variation, residue mobility, and thermodynamic stability) has been performed for this missense variant. However, the output from this modeling did not meet the statistical confidence thresholds required to predict the impact of this variant on OCRL protein function. In summary, the available evidence is currently insufficient to determine the role of this variant in disease. Therefore, it has been classified as a Variant of Uncertain Significance.

CeGaT Center for Human Genetics Tuebingen
Classification: Uncertain significance. Last evaluated: 2018-09-01. Review status: criteria provided, single submitter. Criteria: CeGaT Center For Human Genetics Tuebingen Variant Classification Criteria Version 2. Collection method: clinical testing. Allele origin: germline. Affected: yes. Observed: 1 variant allele.